The following is an entry in ClinVar:

NC_000012.12:g.120291918C>T

Genes: RNU4-2 (RNA, U4 small nuclear 2; minus strand), SIRT4 (sirtuin 4; plus strand). Cytogenetic location: 12q24.23.
Variant type: single nucleotide variant.
Genome position: GRCh38 VCF-style: chr12-120291918-C-T. GRCh37 (hg19) VCF-style: chr12-120729721-C-T.
Identifiers: ClinVar variation 3898512 (VCV003898512.7).

ClinVar aggregate classification (germline): Likely benign (1 of 4 stars; one submission).

Submission:

CeGaT Center for Human Genetics Tuebingen
Classification: Likely benign. Last evaluated: 2025-04-01. Review status: criteria provided, single submitter. Criteria: CeGaT Center For Human Genetics Tuebingen Variant Classification Criteria Version 2. Collection method: clinical testing. Allele origin: germline. Affected: yes. Observed: 1 variant allele.
Comment: RNU4-2: BS1